The following is an entry in ClinVar:

NM_002775.5(HTRA1):c.267C>A (p.Cys89Ter)

Gene: HTRA1 (HtrA serine peptidase 1; plus strand). Cytogenetic location: 10q26.13.
Variant type: single nucleotide variant.
Coding change: c.267C>A on transcript NM_002775.5 (MANE Select); coding-DNA position 267, C replaced by A.
Protein change: p.Cys89Ter; replaces cysteine 89 with a stop codon.
Molecular consequence: nonsense.
Genome position (GRCh38, 1-based): chr10:122,461,919, C>A. VCF-style: chr10-122461919-C-A. GRCh37 (hg19) VCF-style: chr10-124221435-C-A.
Other names: short protein forms C89*.
Identifiers: ClinVar variation 504420 (VCV000504420.4), dbSNP rs1554948302, ClinGen allele CA378606059.

ClinVar aggregate classification (germline): Pathogenic/Likely pathogenic. Review status: criteria provided, multiple submitters, no conflicts (2 of 4 stars). 2 submissions from 2 submitters: Pathogenic (1); Likely pathogenic (1). Last evaluated 2025-05-13.

Allele frequency attached by ClinVar (database versions not stated): gnomAD exomes below 0.00001.
gnomAD v4.1: 4 of 1,470,956 alleles (0.00027%); highest among the groups gnomAD compares: Non-Finnish European, 0.00036%; no homozygotes.

Submissions (2):

Labcorp Genetics (formerly Invitae), Labcorp
Classification: Pathogenic. Last evaluated: 2025-05-13. Review status: criteria provided, single submitter. Criteria: Invitae Variant Classification Sherloc (09022015). Collection method: clinical testing. Allele origin: germline.
Comment: This sequence change creates a premature translational stop signal (p.Cys89*) in the HTRA1 gene. It is expected to result in an absent or disrupted protein product. Loss-of-function variants in HTRA1 are known to be pathogenic (PMID: 19387015, 29895533). This variant is not present in population databases (gnomAD no frequency). This variant has not been reported in the literature in individuals affected with HTRA1-related conditions. ClinVar contains an entry for this variant (Variation ID: 504420). For these reasons, this variant has been classified as Pathogenic.

GeneDx
Classification: Likely pathogenic. Last evaluated: 2018-03-06. Review status: criteria provided, single submitter. Criteria: GeneDx Variant Classification (06012015). Collection method: clinical testing. Allele origin: germline. Affected: yes.
Comment: The C89X variant in the HTRA1 gene has not been reported previously as a pathogenic variant nor as a benign variant, to our knowledge. This variant is predicted to cause loss of normal protein function either through protein truncation or nonsense-mediated mRNA decay. The C89X variant is not observed in large population cohorts (Lek et al., 2016). We interpret C89X as a likely pathogenic variant.

Literature cited by the submitters: PubMed 19387015 (cited by Labcorp Genetics (formerly Invitae), Labcorp); PubMed 29895533 (cited by Labcorp Genetics (formerly Invitae), Labcorp).